The following is an entry in ClinVar:

NM_001044385.3(TMEM237):c.287C>T (p.Ser96Phe)

Gene: TMEM237 (transmembrane protein 237; minus strand). Cytogenetic location: 2q33.1.
Variant type: single nucleotide variant.
Coding change: c.287C>T on transcript NM_001044385.3 (MANE Select); coding-DNA position 287, C replaced by T.
Protein change: p.Ser96Phe; replaces serine 96 with phenylalanine.
Molecular consequence: missense variant.
Genome position (GRCh38, 1-based): chr2:201,633,419, G>A on the plus strand (C>T on the coding strand, the complement: TMEM237 is on the minus strand). VCF-style: chr2-201633419-G-A. GRCh37 (hg19) VCF-style: chr2-202498142-G-A.
Other names: c.263C>T, p.Ser88Phe (NM_152388.4); c.287C>T (NM_001044385.1); short protein forms S88F, S96F.
Identifiers: ClinVar variation 960602 (VCV000960602.8), dbSNP rs376578633, ClinGen allele CA2056523.

ClinVar aggregate classification (germline): Uncertain significance. Review status: criteria provided, multiple submitters, no conflicts (2 of 4 stars). 4 submissions from 4 submitters: Uncertain significance (4). Last evaluated 2024-12-02.

Conditions:
Inborn genetic diseases. Identifiers: MedGen C0950123, MeSH D030342.
Joubert syndrome 14 (JBTS14). Identifiers: MedGen C3280766, MONDO:0013745, OMIM 614424.

Allele frequency attached by ClinVar (database versions not stated): ExAC 0.00006; ESP Exome Variant Server 0.00008; gnomAD exomes 0.00015 and 0.00021; gnomAD 0.00019 and 0.00020; TOPMed 0.00019.
gnomAD v4.1: 318 of 1,550,720 alleles (0.021%); highest among the groups gnomAD compares: Admixed American, 0.07%; no homozygotes.

Submissions (4):

Labcorp Genetics (formerly Invitae), Labcorp
Classification: Uncertain significance for Joubert syndrome 14. Last evaluated: 2024-12-02. Review status: criteria provided, single submitter. Criteria: Invitae Variant Classification Sherloc (09022015). Collection method: clinical testing. Allele origin: germline.
Comment: This sequence change replaces serine, which is neutral and polar, with phenylalanine, which is neutral and non-polar, at codon 96 of the TMEM237 protein (p.Ser96Phe). This variant is present in population databases (rs376578633, gnomAD 0.04%). This variant has not been reported in the literature in individuals affected with TMEM237-related conditions. ClinVar contains an entry for this variant (Variation ID: 960602). Invitae Evidence Modeling of protein sequence and biophysical properties (such as structural, functional, and spatial information, amino acid conservation, physicochemical variation, residue mobility, and thermodynamic stability) indicates that this missense variant is expected to disrupt TMEM237 protein function with a positive predictive value of 80%. In summary, the available evidence is currently insufficient to determine the role of this variant in disease. Therefore, it has been classified as a Variant of Uncertain Significance.

Blueprint Genetics
Classification: Uncertain significance. Last evaluated: 2024-10-23. Review status: criteria provided, single submitter. Criteria: ACMG Guidelines, 2015. Collection method: clinical testing. Allele origin: germline.

Ambry Genetics
Classification: Uncertain significance for Inborn genetic diseases. Last evaluated: 2021-08-17. Review status: criteria provided, single submitter. Criteria: Ambry Variant Classification Scheme 2023. Collection method: clinical testing. Allele origin: germline.

Baylor Genetics
Classification: Uncertain significance for Joubert syndrome 14. Last evaluated: 2018-02-13. Review status: criteria provided, single submitter. Criteria: ACMG Guidelines, 2015. Collection method: clinical testing. Allele origin: maternal. Affected: yes.
Comment: This variant was determined to be of uncertain significance according to ACMG Guidelines, 2015 [PMID:25741868].